The following is an entry in ClinVar:

ClinVar aggregate classification (germline): Uncertain significance (1 of 4 stars; one submission).

Submission:

Greenwood Genetic Center Diagnostic Laboratories, Greenwood Genetic Center
Classification: Uncertain significance. Last evaluated: 2021-08-31. Review status: criteria provided, single submitter. Criteria: ACMG Guidelines, 2015. Collection method: clinical testing. Allele origin: germline. Affected: yes.
Comment: PP2, PP3, PM2

NM_017780.4(CHD7):c.3323A>G (p.His1108Arg)

Gene: CHD7 (chromodomain helicase DNA binding protein 7; plus strand). Cytogenetic location: 8q12.2.
Variant type: single nucleotide variant.
Coding change: c.3323A>G on transcript NM_017780.4 (MANE Select); coding-DNA position 3323, A replaced by G.
Protein change: p.His1108Arg; replaces histidine 1108 with arginine.
Molecular consequence: missense variant. On other transcripts: intron variant (1).
Genome position (GRCh38, 1-based): chr8:60,823,961, A>G. VCF-style: chr8-60823961-A-G. GRCh37 (hg19) VCF-style: chr8-61736520-A-G.
Other names: c.1717-38268A>G (NM_001316690.1); short protein forms H1108R.
Identifiers: ClinVar variation 1334595 (VCV001334595.4), dbSNP rs2150752559, ClinGen allele CA371312369.